The following is an entry in ClinVar:

NM_001122821.2(SET):c.10A>G (p.Lys4Glu)

Genes: DYNC2I2 (dynein 2 intermediate chain 2; minus strand), SET (SET nuclear proto-oncogene; plus strand). Cytogenetic location: 9q34.11.
Variant type: single nucleotide variant.
Coding change: c.10A>G on transcript NM_001122821.2; coding-DNA position 10, A replaced by G.
Protein change: p.Lys4Glu; replaces lysine 4 with glutamic acid.
Molecular consequence: missense variant.
Genome position (GRCh38, 1-based): chr9:128,683,905, A>G. VCF-style: chr9-128683905-A-G. GRCh37 (hg19) VCF-style: chr9-131446184-A-G.
Other names: c.10A>G, p.Lys4Glu (NM_001374326.1); short protein forms K4E.
Identifiers: ClinVar variation 1309020 (VCV001309020.4), dbSNP rs2132231669, ClinGen allele CA375056858.

ClinVar aggregate classification (germline): Uncertain significance (1 of 4 stars; one submission).

Submission:

GeneDx
Classification: Uncertain significance. Last evaluated: 2019-10-04. Review status: criteria provided, single submitter. Criteria: GeneDx Variant Classification Process June 2021. Collection method: clinical testing. Allele origin: germline. Affected: yes.
Comment: Not observed in large population cohorts (Lek et al., 2016); In silico analysis, which includes protein predictors and evolutionary conservation, supports a deleterious effect; Has not been previously published as pathogenic or benign to our knowledge